The following is an entry in ClinVar:

ClinVar aggregate classification (germline): Uncertain significance (1 of 4 stars; one submission).

Submission:

Labcorp Genetics (formerly Invitae), Labcorp
Classification: Uncertain significance. Last evaluated: 2024-05-18. Review status: criteria provided, single submitter. Criteria: Invitae Variant Classification Sherloc (09022015). Collection method: clinical testing. Allele origin: germline.
Comment: This sequence change replaces glutamine, which is neutral and polar, with histidine, which is basic and polar, at codon 20 of the ABCB6 protein (p.Gln20His). This variant is not present in population databases (gnomAD no frequency). This variant has not been reported in the literature in individuals affected with ABCB6-related conditions. An algorithm developed to predict the effect of missense changes on protein structure and function (PolyPhen-2) suggests that this variant is likely to be tolerated. In summary, the available evidence is currently insufficient to determine the role of this variant in disease. Therefore, it has been classified as a Variant of Uncertain Significance.

NM_005689.4(ABCB6):c.60G>C (p.Gln20His)

Gene: ABCB6 (ATP binding cassette subfamily B member 6 (LAN blood group); minus strand). Cytogenetic location: 2q35.
Variant type: single nucleotide variant.
Coding change: c.60G>C on transcript NM_005689.4 (MANE Select); coding-DNA position 60, G replaced by C.
Protein change: p.Gln20His; replaces glutamine 20 with histidine.
Molecular consequence: missense variant.
Genome position (GRCh38, 1-based): chr2:219,218,614, C>G on the plus strand (G>C on the coding strand, the complement: ABCB6 is on the minus strand). VCF-style: chr2-219218614-C-G. GRCh37 (hg19) VCF-style: chr2-220083336-C-G.
Other names: c.60G>C, p.Gln20His (NM_001349828.2); short protein forms Q20H.
Identifiers: ClinVar variation 3653111 (VCV003653111.2).